The following is an entry in ClinVar:

ClinVar aggregate classification (germline): Benign (1 of 4 stars; one submission).

Submission:

GeneDx
Classification: Benign. Last evaluated: 2018-06-16. Review status: criteria provided, single submitter. Criteria: GeneDx Variant Classification (06012015). Collection method: clinical testing. Allele origin: germline. Affected: yes.
Comment: This variant is considered likely benign or benign based on one or more of the following criteria: it is a conservative change, it occurs at a poorly conserved position in the protein, it is predicted to be benign by multiple in silico algorithms, and/or has population frequency not consistent with disease.

NM_001191061.2(SLC25A22):c.-163-262_-163-244dup

Gene: SLC25A22 (solute carrier family 25 member 22; minus strand). Cytogenetic location: 11p15.5.
Variant type: Duplication.
Coding change: c.-163-262_-163-244dup on transcript NM_001191061.2 (MANE Select); 262 bases into the intron before 163 bases upstream of the start codon through 244 bases into the intron before 163 bases upstream of the start codon, 19 bases duplicated (TGAGCCCCGAGCGTGAGCG).
Molecular consequence: intron variant.
Genome position (GRCh38, 1-based): chr11:795,413-795,431, CGCTCACGCTCGGGGCTCA duplicated on the plus strand (TGAGCCCCGAGCGTGAGCG on the coding strand, the reverse complement: SLC25A22 is on the minus strand); duplicating any 19 consecutive bases within chr11:795,413-795,433 gives the same sequence; the c. name uses the placement nearest the transcript's 3' end. VCF-style (leftmost placement, unchanged base first): chr11-795412-C-CCGCTCACGCTCGGGGCTCA. GRCh37 (hg19) VCF-style: chr11-795412-C-CCGCTCACGCTCGGGGCTCA.
Other names: c.-163-262_-163-244dup (NM_001191060.2, NM_024698.6).
Identifiers: ClinVar variation 669907 (VCV000669907.1), dbSNP rs568118950, ClinGen allele CA216948044.
Genomic context (GRCh38, chr11:795,412, plus strand): 5'-CTGGCTTCCTTTCAGTCCCCCCCTCCCCACCGCCAGCGTCTTCCCAGCCAGCCTCACACG[C>CCGCTCACGCTCGGGGCTCA]CGCTCACGCTCGGGGCTCACGTGCACCCCAGCCAGCTCCGGCTTTTAAAGGGCCAGGCAC-3'